The following is an entry in ClinVar:

NM_000051.4(ATM):c.7937A>C (p.Asn2646Thr)

Genes: ATM (ATM serine/threonine kinase; plus strand), C11orf65 (chromosome 11 open reading frame 65; minus strand). Cytogenetic location: 11q22.3.
Variant type: single nucleotide variant.
Coding change: c.7937A>C on transcript NM_000051.4 (MANE Select); coding-DNA position 7937, A replaced by C.
Protein change: p.Asn2646Thr; replaces asparagine 2646 with threonine.
Molecular consequence: missense variant. On other transcripts: intron variant (2).
Genome position (GRCh38, 1-based): chr11:108,333,895, A>C. VCF-style: chr11-108333895-A-C. GRCh37 (hg19) VCF-style: chr11-108204622-A-C.
Other names: c.7937A>C, p.Asn2646Thr (NM_001351834.2); c.641-24824T>G (NM_001330368.2); c.*38+1325T>G (NM_001351110.2); short protein forms N2646T.
Identifiers: ClinVar variation 4747266 (VCV004747266.1).

ClinVar aggregate classification (germline): Uncertain significance (1 of 4 stars; one submission).

Conditions:
Ataxia-telangiectasia syndrome (AT). Also called: LOUIS-BAR SYNDROME; Cerebello-oculocutaneous telangiectasia; Immunodeficiency with ataxia telangiectasia; Ataxia-telangiectasia, complementation group D; AT, COMPLEMENTATION GROUP C; ATAXIA-TELANGIECTASIA, COMPLEMENTATION GROUP A. Identifiers: Orphanet 100, MedGen C0004135, MONDO:0008840, OMIM 208900.

Submission:

Labcorp Genetics (formerly Invitae), Labcorp
Classification: Uncertain significance for Ataxia-telangiectasia syndrome. Last evaluated: 2025-07-02. Review status: criteria provided, single submitter. Criteria: Invitae Variant Classification Sherloc (09022015). Collection method: clinical testing. Allele origin: germline.
Comment: This sequence change replaces asparagine, which is neutral and polar, with threonine, which is neutral and polar, at codon 2646 of the ATM protein (p.Asn2646Thr). This variant is not present in population databases (gnomAD no frequency). This variant has not been reported in the literature in individuals affected with ATM-related conditions. Invitae Evidence Modeling of protein sequence and biophysical properties (such as structural, functional, and spatial information, amino acid conservation, physicochemical variation, residue mobility, and thermodynamic stability) indicates that this missense variant is not expected to disrupt ATM protein function with a negative predictive value of 95%. In summary, the available evidence is currently insufficient to determine the role of this variant in disease. Therefore, it has been classified as a Variant of Uncertain Significance.